The following is an entry in ClinVar:

NM_001142966.3(GREB1L):c.5662G>A (p.Val1888Ile)

Gene: GREB1L (GREB1 like retinoic acid receptor coactivator; plus strand). Cytogenetic location: 18q11.2.
Variant type: single nucleotide variant.
Coding change: c.5662G>A on transcript NM_001142966.3 (MANE Select); coding-DNA position 5662, G replaced by A.
Protein change: p.Val1888Ile; replaces valine 1888 with isoleucine.
Molecular consequence: missense variant.
Genome position (GRCh38, 1-based): chr18:21,522,711, G>A. VCF-style: chr18-21522711-G-A. GRCh37 (hg19) VCF-style: chr18-19102672-G-A.
Other names: c.5791G>A, p.Val1931Ile (NM_001410867.1); c.5335G>A, p.Val1779Ile (NM_001410868.1); short protein forms V1779I, V1888I, V1931I.
Identifiers: ClinVar variation 2975135 (VCV002975135.3), dbSNP rs1341074831, ClinGen allele CA401739307.
Genomic context (GRCh38, chr18:21,522,711, plus strand): 5'-CCTGAAGGTGCTACACTGTGTGTCATCTGCCAAGACAGAAGTTCCTTGCGCCAAACAATT[G>A]TCCGCTTAGAGCTAGAAGATGAGTGGCAGTTCCGCCTCCGGGACGAGTTTCAAACTGCTA-3'
Protein context (NP_001136438.1, residues 1878-1898): QDRSSLRQTI[Val1888Ile]RLELEDEWQF

ClinVar aggregate classification (germline): Uncertain significance (1 of 4 stars; one submission).

Allele frequency attached by ClinVar (database versions not stated): gnomAD exomes below 0.00001; gnomAD 0.00001; TOPMed 0.00001.
gnomAD v4.1: 4 of 1,551,498 alleles (0.00026%); highest among the groups gnomAD compares: East Asian, 0.0098%; no homozygotes.

Submission:

Labcorp Genetics (formerly Invitae), Labcorp
Classification: Uncertain significance. Last evaluated: 2024-06-03. Review status: criteria provided, single submitter. Criteria: Invitae Variant Classification Sherloc (09022015). Collection method: clinical testing. Allele origin: germline.
Comment: This sequence change replaces valine, which is neutral and non-polar, with isoleucine, which is neutral and non-polar, at codon 1888 of the GREB1L protein (p.Val1888Ile). This variant is present in population databases (no rsID available, gnomAD 0.02%). This variant has not been reported in the literature in individuals affected with GREB1L-related conditions. An algorithm developed to predict the effect of missense changes on protein structure and function (PolyPhen-2) suggests that this variant is likely to be disruptive. In summary, the available evidence is currently insufficient to determine the role of this variant in disease. Therefore, it has been classified as a Variant of Uncertain Significance.